The following is an entry in ClinVar:

ClinVar aggregate classification (germline): Pathogenic (1 of 4 stars; one submission).

Conditions:
Hereditary breast ovarian cancer syndrome. Also called: Hereditary breast and/or ovarian cancer syndrome; Hereditary breast and ovarian cancer syndrome (HBOC); Breast and ovarian cancer; Hereditary breast and ovarian cancer; BRCA1- and BRCA2-Associated Hereditary Breast and Ovarian Cancer; Hereditary breast and ovarian cancer syndrome. Identifiers: Orphanet 145, MedGen C0677776, MeSH D061325, MONDO:0003582. Disease mechanism: loss of function.

Submission:

Labcorp Genetics (formerly Invitae), Labcorp
Classification: Pathogenic for Hereditary breast and ovarian cancer syndrome. Last evaluated: 2019-04-29. Review status: criteria provided, single submitter. Criteria: Invitae Variant Classification Sherloc (09022015). Collection method: clinical testing. Allele origin: germline.
Comment: This variant is an out-of-frame deletion of the genomic region encompassing exons 14-19 of the BRCA1 gene. This is expected to create a premature translational stop signal and result in an absent or disrupted protein product. Deletion of exons 14-19 has been reported in a family affected with breast and/or ovarian cancer (PMID: 15162129). Loss-of-function variants in BRCA1 are known to be pathogenic (PMID: 20104584). For these reasons, this variant has been classified as Pathogenic.

Literature cited by the submitters: PubMed 15162129.

NC_000017.11:g.(?_43057032)_(43074541_?)del

Gene: BRCA1 (BRCA1 DNA repair associated; minus strand). Cytogenetic location: 17q21.31.
Variant type: Deletion.
Identifiers: ClinVar variation 831969 (VCV000831969.1).